The following is an entry in ClinVar:

NM_006947.4(SRP72):c.869A>T (p.Asn290Ile)

Gene: SRP72 (signal recognition particle 72; plus strand). Cytogenetic location: 4q12.
Variant type: single nucleotide variant.
Coding change: c.869A>T on transcript NM_006947.4 (MANE Select); coding-DNA position 869, A replaced by T.
Protein change: p.Asn290Ile; replaces asparagine 290 with isoleucine.
Molecular consequence: missense variant. On other transcripts: non-coding transcript variant (1).
Genome position (GRCh38, 1-based): chr4:56,483,182, A>T. VCF-style: chr4-56483182-A-T. GRCh37 (hg19) VCF-style: chr4-57349348-A-T.
Other names: c.686A>T, p.Asn229Ile (NM_001267722.2); short protein forms N229I, N290I.
Identifiers: ClinVar variation 4074636 (VCV004074636.1).
Genomic context (GRCh38, chr4:56,483,182, plus strand): 5'-AAACTTTTCTTTGTTAGGACCAAAATGTCTTTGACTCCAAGAAGAAAGTGAAATTAACCA[A>T]TGCGGAAGGAGTAGAGTTTAAGCTTTCCAAGAAACAACTACAAGCTATAGAATTTAACAA-3'
Protein context (NP_008878.3, residues 280-300): FDSKKKVKLT[Asn290Ile]AEGVEFKLSK

ClinVar aggregate classification (germline): Uncertain significance (1 of 4 stars; one submission).

Submission:

GeneDx
Classification: Uncertain significance. Last evaluated: 2025-02-05. Review status: criteria provided, single submitter. Criteria: GeneDx Variant Classification Process June 2021. Collection method: clinical testing. Allele origin: germline. Affected: yes.
Comment: Not observed at significant frequency in large population cohorts (gnomAD); In silico analysis indicates that this missense variant does not alter protein structure/function; Has not been previously published as pathogenic or benign to our knowledge